The following is an entry in ClinVar:

ClinVar aggregate classification (germline): Uncertain significance (1 of 4 stars; one submission).

Conditions:
Renal carnitine transport defect (CDSP). Also called: Primary carnitine deficiency; Systemic primary carnitine deficiency; CARNITINE DEFICIENCY, SYSTEMIC, DUE TO DEFECT IN RENAL REABSORPTION OF CARNITINE; CARNITINE TRANSPORTER, PLASMA-MEMBRANE, DEFICIENCY OF; CARNITINE UPTAKE DEFECT; Carnitine transporter deficiency. Identifiers: Orphanet 158, MedGen C0342788, MONDO:0008919, OMIM 212140.

Submission:

Labcorp Genetics (formerly Invitae), Labcorp
Classification: Uncertain significance for Renal carnitine transport defect. Last evaluated: 2023-09-04. Review status: criteria provided, single submitter. Criteria: Invitae Variant Classification Sherloc (09022015). Collection method: clinical testing. Allele origin: germline.
Comment: Advanced modeling of protein sequence and biophysical properties (such as structural, functional, and spatial information, amino acid conservation, physicochemical variation, residue mobility, and thermodynamic stability) has been performed at Invitae for this missense variant, however the output from this modeling did not meet the statistical confidence thresholds required to predict the impact of this variant on SLC22A5 protein function. This variant has not been reported in the literature in individuals affected with SLC22A5-related conditions. This variant is not present in population databases (gnomAD no frequency). This sequence change replaces serine, which is neutral and polar, with threonine, which is neutral and polar, at codon 38 of the SLC22A5 protein (p.Ser38Thr). This variant disrupts the p.Ser38 amino acid residue in SLC22A5. Other variant(s) that disrupt this residue have been determined to be pathogenic (Invitae). This suggests that this residue is clinically significant, and that variants that disrupt this residue are likely to be disease-causing. In summary, the available evidence is currently insufficient to determine the role of this variant in disease. Therefore, it has been classified as a Variant of Uncertain Significance.

NM_003060.4(SLC22A5):c.112T>A (p.Ser38Thr)

Gene: SLC22A5 (solute carrier family 22 member 5; plus strand). Cytogenetic location: 5q31.1.
Variant type: single nucleotide variant.
Coding change: c.112T>A on transcript NM_003060.4 (MANE Select); coding-DNA position 112, T replaced by A.
Protein change: p.Ser38Thr; replaces serine 38 with threonine.
Molecular consequence: missense variant.
Genome position (GRCh38, 1-based): chr5:132,370,084, T>A. VCF-style: chr5-132370084-T-A. GRCh37 (hg19) VCF-style: chr5-131705776-T-A.
Other names: c.112T>A, p.Ser38Thr (NM_001308122.2); short protein forms S38T.
Identifiers: ClinVar variation 2756564 (VCV002756564.3), dbSNP rs2532088378, ClinGen allele CA360802404.
Genomic context (GRCh38, chr5:132,370,084, plus strand): 5'-CAGCGCCTCATCTTCTTCCTGCTCAGCGCCAGCATCATCCCCAATGGCTTCACCGGCCTG[T>A]CCTCCGTGTTCCTGATAGCGACCCCGGAGCACCGCTGCCGGGTGCCGGACGCCGCGAACC-3'
Protein context (NP_003051.1, residues 28-48): SIIPNGFTGL[Ser38Thr]SVFLIATPEH